The following is an entry in ClinVar:

NM_005912.3(MC4R):c.815C>T (p.Pro272Leu)

Gene: MC4R (melanocortin 4 receptor; minus strand). Cytogenetic location: 18q21.32.
Variant type: single nucleotide variant.
Coding change: c.815C>T on transcript NM_005912.3 (MANE Select); coding-DNA position 815, C replaced by T.
Protein change: p.Pro272Leu; replaces proline 272 with leucine.
Molecular consequence: missense variant.
Genome position (GRCh38, 1-based): chr18:60,371,535, G>A on the plus strand (C>T on the coding strand, the complement: MC4R is on the minus strand). VCF-style: chr18-60371535-G-A. GRCh37 (hg19) VCF-style: chr18-58038768-G-A.
Other names: short protein forms P272L.
Identifiers: ClinVar variation 2572709 (VCV002572709.1), dbSNP rs1915338291, ClinGen allele CA402719021.
Genomic context (GRCh38, chr18:60,371,535, plus strand): 5'-ATGATCAGTATGAGATACAAGTTAAAGTGAGACATGAAGCACACACAATATGGATTCTGA[G>A]GACAAGAGATGTAGAATATTAAGTGGAGGAAGAATGGGGCCCAGCAGACAACAAAGACGC-3'
Protein context (NP_005903.2, residues 262-282): FLHLIFYISC[Pro272Leu]QNPYCVCFMS

ClinVar aggregate classification (germline): Likely pathogenic (1 of 4 stars; one submission).

Submission:

GeneDx
Classification: Likely pathogenic. Last evaluated: 2023-01-11. Review status: criteria provided, single submitter. Criteria: GeneDx Variant Classification Process June 2021. Collection method: clinical testing. Allele origin: germline. Affected: yes.
Comment: Identified in the heterozygous state in a patient with severe early onset obesity in published literature; this patient inherited the variant from an affected parent (Granell et al., 2012); Published functional studies demonstrate a damaging effect with retention in the endoplasmic reticulum as well as reduced cell surface expression and signaling (Granell et al., 2012); In silico analysis supports that this missense variant has a deleterious effect on protein structure/function; Not observed at significant frequency in large population cohorts (gnomAD); This variant is associated with the following publications: (PMID: 27372853, Bima2022[casereport], 28434791, 30926952, 34822948, 25557635, 34331269, 28284973, 23251400)